The following is an entry in ClinVar:

NM_000465.4(BARD1):c.1279A>G (p.Arg427Gly)

Gene: BARD1 (BRCA1 associated RING domain 1; minus strand). Cytogenetic location: 2q35.
Variant type: single nucleotide variant.
Coding change: c.1279A>G on transcript NM_000465.4 (MANE Select); coding-DNA position 1279, A replaced by G.
Protein change: p.Arg427Gly; replaces arginine 427 with glycine.
Molecular consequence: missense variant. On other transcripts: non-coding transcript variant (2), intron variant (3).
Genome position (GRCh38, 1-based): chr2:214,780,595, T>C on the plus strand (A>G on the coding strand, the complement: BARD1 is on the minus strand). VCF-style: chr2-214780595-T-C. GRCh37 (hg19) VCF-style: chr2-215645319-T-C.
Other names: c.1222A>G, p.Arg408Gly (NM_001282543.2); c.159-28040A>G (NM_001282548.2); c.215+16466A>G (NM_001282545.2); c.364+11702A>G (NM_001282549.2); short protein forms R427G, R408G.
Identifiers: ClinVar variation 1471406 (VCV001471406.12), dbSNP rs2106107666, ClinGen allele CA350453408.

ClinVar aggregate classification (germline): Uncertain significance. Review status: criteria provided, multiple submitters, no conflicts (2 of 4 stars). 2 submissions from 2 submitters: Uncertain significance (2). Last evaluated 2025-08-22.

Conditions:
Familial cancer of breast. Also called: hereditary breast carcinoma; BREAST CANCER, FAMILIAL; Hereditary breast cancer. Identifiers: Orphanet 227535, MedGen C0346153, MONDO:0016419, OMIM 114480. Disease mechanism: loss of function.
Hereditary cancer-predisposing syndrome. Also called: Tumor predisposition; Hereditary Cancer Syndrome; Hereditary neoplastic syndrome; Neoplastic Syndromes, Hereditary. Identifiers: Orphanet 140162, MedGen C0027672, MeSH D009386, MONDO:0015356.

Submissions (2):

Ambry Genetics
Classification: Uncertain significance for Hereditary cancer-predisposing syndrome. Last evaluated: 2025-08-22. Review status: criteria provided, single submitter. Criteria: Ambry Variant Classification Scheme 2023. Collection method: clinical testing. Allele origin: germline.
Comment: The p.R427G variant (also known as c.1279A>G), located in coding exon 4 of the BARD1 gene, results from an A to G substitution at nucleotide position 1279. The arginine at codon 427 is replaced by glycine, an amino acid with dissimilar properties. This amino acid position is well conserved in available vertebrate species. In addition, the in silico prediction for this alteration is inconclusive. Since supporting evidence is limited at this time, the clinical significance of this alteration remains unclear.

Labcorp Genetics (formerly Invitae), Labcorp
Classification: Uncertain significance for Familial cancer of breast. Last evaluated: 2023-02-08. Review status: criteria provided, single submitter. Criteria: Invitae Variant Classification Sherloc (09022015). Collection method: clinical testing. Allele origin: germline.
Comment: In summary, the available evidence is currently insufficient to determine the role of this variant in disease. Therefore, it has been classified as a Variant of Uncertain Significance. Algorithms developed to predict the effect of missense changes on protein structure and function are either unavailable or do not agree on the potential impact of this missense change (SIFT: "Deleterious"; PolyPhen-2: "Benign"; Align-GVGD: "Class C45"). This sequence change replaces arginine, which is basic and polar, with glycine, which is neutral and non-polar, at codon 427 of the BARD1 protein (p.Arg427Gly). This variant is not present in population databases (gnomAD no frequency). This variant has not been reported in the literature in individuals affected with BARD1-related conditions. ClinVar contains an entry for this variant (Variation ID: 1471406).